The following is an entry in ClinVar:

ClinVar aggregate classification (germline): Uncertain significance (1 of 4 stars; one submission).

Submission:

Labcorp Genetics (formerly Invitae), Labcorp
Classification: Uncertain significance. Last evaluated: 2022-02-10. Review status: criteria provided, single submitter. Criteria: Invitae Variant Classification Sherloc (09022015). Collection method: clinical testing. Allele origin: germline.
Comment: This variant has not been reported in the literature in individuals affected with REST-related conditions. Algorithms developed to predict the effect of missense changes on protein structure and function output the following: SIFT: "Deleterious"; PolyPhen-2: "Possibly Damaging"; Align-GVGD: "Class C55". The serine amino acid residue is found in multiple mammalian species, which suggests that this missense change does not adversely affect protein function. In summary, the available evidence is currently insufficient to determine the role of this variant in disease. Therefore, it has been classified as a Variant of Uncertain Significance. This variant is not present in population databases (gnomAD no frequency). This sequence change replaces threonine, which is neutral and polar, with serine, which is neutral and polar, at codon 430 of the REST protein (p.Thr430Ser).

NM_005612.5(REST):c.1289C>G (p.Thr430Ser)

Gene: REST (RE1 silencing transcription factor; plus strand). Cytogenetic location: 4q12.
Variant type: single nucleotide variant.
Coding change: c.1289C>G on transcript NM_005612.5 (MANE Select); coding-DNA position 1289, C replaced by G.
Protein change: p.Thr430Ser; replaces threonine 430 with serine.
Molecular consequence: missense variant.
Genome position (GRCh38, 1-based): chr4:56,930,147, C>G. VCF-style: chr4-56930147-C-G. GRCh37 (hg19) VCF-style: chr4-57796313-C-G.
Other names: c.1289C>G, p.Thr430Ser (NM_001193508.2, NM_001363453.3); short protein forms T430S.
Identifiers: ClinVar variation 1510527 (VCV001510527.8), dbSNP rs1378181425, ClinGen allele CA357006288.